The following is an entry in ClinVar:

NM_001355436.2(SPTB):c.1246C>T (p.Arg416Trp)

Gene: SPTB (spectrin beta, erythrocytic; minus strand). Cytogenetic location: 14q23.3.
Variant type: single nucleotide variant.
Coding change: c.1246C>T on transcript NM_001355436.2 (MANE Select); coding-DNA position 1246, C replaced by T.
Protein change: p.Arg416Trp; replaces arginine 416 with tryptophan.
Molecular consequence: missense variant.
Genome position (GRCh38, 1-based): chr14:64,796,652, G>A on the plus strand (C>T on the coding strand, the complement: SPTB is on the minus strand). VCF-style: chr14-64796652-G-A. GRCh37 (hg19) VCF-style: chr14-65263370-G-A.
Other names: c.1246C>T, p.Arg416Trp (NM_001024858.4, NM_001355437.2); c.1246C>T (NM_001024858.2); short protein forms R416W.
Identifiers: ClinVar variation 2436454 (VCV002436454.4), dbSNP rs756541394, ClinGen allele CA7231173.
Genomic context (GRCh38, chr14:64,796,652, plus strand): 5'-TCTCTCTCATTGCGGCCTTCCGGTCAAAGCGCCGGGCCAGTTGCTCTAGCTTCTCCTGCC[G>A]AATGAGCTCATTTCTCAGGGCCAGCTCCCGCCGATACTCAGCTTCCTCCAGGCTTTCCCA-3'
Protein context (NP_001342365.1, residues 406-426): RELALRNELI[Arg416Trp]QEKLEQLARR

ClinVar aggregate classification (germline): Uncertain significance. Review status: criteria provided, multiple submitters, no conflicts (2 of 4 stars). 2 submissions from 2 submitters: Uncertain significance (2). Last evaluated 2025-04-04.

Conditions:
SPTB-related disorder. Also called: SPTB-Related Disorders; SPTB-related condition.

Allele frequency attached by ClinVar (database versions not stated): TOPMed 0.00002; gnomAD 0.00001; ExAC 0.00002.
gnomAD v4.1: 28 of 1,614,056 alleles (0.0017%); highest among the groups gnomAD compares: East Asian, 0.0022%; no homozygotes.

Submissions (2):

PreventionGenetics, part of Exact Sciences
Classification: Uncertain significance for SPTB-related condition. Last evaluated: 2025-04-04. Review status: criteria provided, single submitter. Criteria: ACMG Guidelines, 2015. Collection method: clinical testing. Allele origin: germline.
Comment: The SPTB c.1246C>T variant is predicted to result in the amino acid substitution p.Arg416Trp. To our knowledge, this variant has not been reported in the literature. This variant is reported in 0.0046% of alleles in individuals of European (Finnish) descent in gnomAD. At this time, the clinical significance of this variant is uncertain due to the absence of conclusive functional and genetic evidence.

Revvity Omics, Revvity
Classification: Uncertain significance. Last evaluated: 2022-11-23. Review status: criteria provided, single submitter. Criteria: ACMG Guidelines, 2015. Collection method: clinical testing. Allele origin: germline.